The following is an entry in ClinVar:

NM_022436.3(ABCG5):c.1616T>C (p.Ile539Thr)

Genes: ABCG5 (ATP binding cassette subfamily G member 5; minus strand), DYNC2LI1 (dynein cytoplasmic 2 light intermediate chain 1; plus strand). Cytogenetic location: 2p21.
Variant type: single nucleotide variant.
Coding change: c.1616T>C on transcript NM_022436.3 (MANE Select); coding-DNA position 1616, T replaced by C.
Protein change: p.Ile539Thr; replaces isoleucine 539 with threonine.
Molecular consequence: missense variant. On other transcripts: intron variant (2).
Genome position (GRCh38, 1-based): chr2:43,819,948, A>G on the plus strand (T>C on the coding strand, the complement: ABCG5 is on the minus strand). VCF-style: chr2-43819948-A-G. GRCh37 (hg19) VCF-style: chr2-44047087-A-G.
Other names: c.*16-7438A>G (NM_001348912.2, NM_001348913.2); short protein forms I539T.
Identifiers: ClinVar variation 1776499 (VCV001776499.3), dbSNP rs1558730921, ClinGen allele CA346662819.

ClinVar aggregate classification (germline): Uncertain significance (1 of 4 stars; one submission).

Conditions:
Cardiovascular phenotype. Identifiers: MedGen CN230736.

Allele frequency attached by ClinVar (database versions not stated): gnomAD exomes below 0.00001.
gnomAD v4.1: 5 of 1,614,170 alleles (0.00031%); highest among the groups gnomAD compares: Middle Eastern, 0.016%; no homozygotes.

Submission:

Ambry Genetics
Classification: Uncertain significance for Cardiovascular phenotype. Last evaluated: 2025-04-12. Review status: criteria provided, single submitter. Criteria: Ambry Variant Classification Scheme 2023. Collection method: clinical testing. Allele origin: germline.
Comment: The p.I539T variant (also known as c.1616T>C), located in coding exon 11 of the ABCG5 gene, results from a T to C substitution at nucleotide position 1616. The isoleucine at codon 539 is replaced by threonine, an amino acid with similar properties. This amino acid position is conserved. In addition, this alteration is predicted to be tolerated by in silico analysis. Since supporting evidence is limited at this time, the clinical significance of this alteration remains unclear.